The following is an entry in ClinVar:

NM_003482.4(KMT2D):c.9621C>T (p.Ser3207=)

Gene: KMT2D (lysine methyltransferase 2D; minus strand). Cytogenetic location: 12q13.12.
Variant type: single nucleotide variant.
Coding change: c.9621C>T on transcript NM_003482.4 (MANE Select); coding-DNA position 9621, C replaced by T.
Protein change: p.Ser3207=; no amino-acid change (serine 3207 retained).
Molecular consequence: synonymous variant.
Genome position (GRCh38, 1-based): chr12:49,037,735, G>A on the plus strand (C>T on the coding strand, the complement: KMT2D is on the minus strand). VCF-style: chr12-49037735-G-A. GRCh37 (hg19) VCF-style: chr12-49431518-G-A.
Identifiers: ClinVar variation 2993437 (VCV002993437.4), dbSNP rs769999278, ClinGen allele CA6546665.

ClinVar aggregate classification (germline): Benign/Likely benign. Review status: criteria provided, multiple submitters, no conflicts (2 of 4 stars). 2 submissions from 2 submitters: Benign (1); Likely benign (1). Last evaluated 2024-10-23.

Conditions:
Kabuki syndrome. Also called: Kabuki make-up syndrome; NIIKAWA-KUROKI SYNDROME. Identifiers: Orphanet 2322, MedGen C0796004, MONDO:0016512.
KMT2D-related disorder. Also called: KMT2D-Related Disorders.

Allele frequency attached by ClinVar (database versions not stated): ExAC 0.00002.

Submissions (2):

PreventionGenetics, part of Exact Sciences
Classification: Likely benign for KMT2D-related condition. Last evaluated: 2024-10-23. Review status: criteria provided, single submitter. Criteria: ACMG Guidelines, 2015. Collection method: clinical testing. Allele origin: germline.
Comment: This variant is classified as likely benign based on ACMG/AMP sequence variant interpretation guidelines (Richards et al. 2015 PMID: 25741868, with internal and published modifications).

Labcorp Genetics (formerly Invitae), Labcorp
Classification: Benign for Kabuki syndrome. Last evaluated: 2023-05-15. Review status: criteria provided, single submitter. Criteria: Invitae Variant Classification Sherloc (09022015). Collection method: clinical testing. Allele origin: germline.